The following is an entry in ClinVar:

ClinVar aggregate classification (germline): Uncertain significance. Review status: criteria provided, multiple submitters, no conflicts (2 of 4 stars). 4 submissions from 4 submitters: Uncertain significance (4). Last evaluated 2025-11-18.

Conditions:
DICER1-related tumor predisposition. Also called: DICER1-related pleuropulmonary blastoma cancer predisposition syndrome; DICER1 syndrome. Identifiers: Orphanet 284343, MedGen C3839822, MONDO:0100216.
Global developmental delay - lung cysts - overgrowth - Wilms tumor syndrome. Also called: GLOBAL DEVELOPMENTAL DELAY, LUNG CYSTS, OVERGROWTH, AND WILMS TUMOR; GLOW Syndrome. Identifiers: Orphanet 404476, MedGen C4748924, MONDO:0018445, OMIM 618272.
Hereditary cancer-predisposing syndrome. Also called: Hereditary Cancer Syndrome; Neoplastic Syndromes, Hereditary; Hereditary neoplastic syndrome; Tumor predisposition. Identifiers: Orphanet 140162, MedGen C0027672, MeSH D009386, MONDO:0015356.

Allele frequency attached by ClinVar (database versions not stated): gnomAD exomes below 0.00001; ExAC 0.00001; TOPMed 0.00001.
gnomAD v4.1: 2 of 1,613,154 alleles (0.00012%); highest among the groups gnomAD compares: African/African-American, 0.0027%; no homozygotes.

Submissions (4):

Labcorp Genetics (formerly Invitae), Labcorp
Classification: Uncertain significance for DICER1-related tumor predisposition. Last evaluated: 2025-11-18. Review status: criteria provided, single submitter. Criteria: Invitae Variant Classification Sherloc (09022015). Collection method: clinical testing. Allele origin: germline.
Comment: This sequence change replaces proline, which is neutral and non-polar, with serine, which is neutral and polar, at codon 4 of the DICER1 protein (p.Pro4Ser). This variant is present in population databases (rs772433602, gnomAD 0.007%). This variant has not been reported in the literature in individuals affected with DICER1-related conditions. ClinVar contains an entry for this variant (Variation ID: 822167). Invitae Evidence Modeling of protein sequence and biophysical properties (such as structural, functional, and spatial information, amino acid conservation, physicochemical variation, residue mobility, and thermodynamic stability) indicates that this missense variant is not expected to disrupt DICER1 protein function with a negative predictive value of 95%. In summary, the available evidence is currently insufficient to determine the role of this variant in disease. Therefore, it has been classified as a Variant of Uncertain Significance.

Ambry Genetics
Classification: Uncertain significance for Hereditary cancer-predisposing syndrome. Last evaluated: 2025-03-17. Review status: criteria provided, single submitter. Criteria: Ambry Variant Classification Scheme 2023. Collection method: clinical testing. Allele origin: germline.
Comment: The p.P4S variant (also known as c.10C>T), located in coding exon 1 of the DICER1 gene, results from a C to T substitution at nucleotide position 10. The proline at codon 4 is replaced by serine, an amino acid with similar properties. This amino acid position is well conserved in available vertebrate species. In addition, this alteration is predicted to be tolerated by in silico analysis. Based on the available evidence, the clinical significance of this variant remains unclear.

Baylor Genetics
Classification: Uncertain significance for Global developmental delay - lung cysts - overgrowth - Wilms tumor syndrome. Last evaluated: 2024-02-19. Review status: criteria provided, single submitter. Criteria: ACMG Guidelines, 2015. Collection method: clinical testing. Allele origin: unknown.

GeneDx
Classification: Uncertain significance. Last evaluated: 2023-05-03. Review status: criteria provided, single submitter. Criteria: GeneDx Variant Classification Process June 2021. Collection method: clinical testing. Allele origin: germline. Affected: yes.
Comment: Not observed at significant frequency in large population cohorts (gnomAD); In silico analysis supports that this missense variant does not alter protein structure/function; Has not been previously published as pathogenic or benign to our knowledge

NM_177438.3(DICER1):c.10C>T (p.Pro4Ser)

Gene: DICER1 (dicer 1, ribonuclease III; minus strand). Cytogenetic location: 14q32.13.
Variant type: single nucleotide variant.
Coding change: c.10C>T on transcript NM_177438.3 (MANE Select); coding-DNA position 10, C replaced by T.
Protein change: p.Pro4Ser; replaces proline 4 with serine.
Molecular consequence: missense variant.
Genome position (GRCh38, 1-based): chr14:95,133,449, G>A on the plus strand (C>T on the coding strand, the complement: DICER1 is on the minus strand). VCF-style: chr14-95133449-G-A. GRCh37 (hg19) VCF-style: chr14-95599786-G-A.
Other names: c.10C>T, p.Pro4Ser (NM_001195573.1, NM_001271282.3, NM_001291628.2 and 1 more transcripts); short protein forms P4S.
Identifiers: ClinVar variation 822167 (VCV000822167.18), dbSNP rs772433602, ClinGen allele CA7331761.